The following is an entry in ClinVar:

NM_001330078.2(NRXN1):c.1364T>A (p.Leu455His)

Gene: NRXN1 (neurexin 1; minus strand). Cytogenetic location: 2p16.3.
Variant type: single nucleotide variant.
Coding change: c.1364T>A on transcript NM_001330078.2 (MANE Select); coding-DNA position 1364, T replaced by A.
Protein change: p.Leu455His; replaces leucine 455 with histidine.
Molecular consequence: missense variant.
Genome position (GRCh38, 1-based): chr2:50,552,982, A>T on the plus strand (T>A on the coding strand, the complement: NRXN1 is on the minus strand). VCF-style: chr2-50552982-A-T. GRCh37 (hg19) VCF-style: chr2-50780120-A-T.
Other names: c.1484T>A, p.Leu495His (NM_001135659.3); c.1340T>A, p.Leu447His (NM_001330077.2, NM_001330082.2, NM_001330095.2); c.1325T>A, p.Leu442His (NM_001330083.2, NM_001330084.2); c.1364T>A, p.Leu455His (NM_001330085.2, NM_001330086.2, NM_004801.6); c.1280T>A, p.Leu427His (NM_001330087.2, NM_001330096.2); c.1310T>A, p.Leu437His (NM_001330088.2); c.1361T>A, p.Leu454His (NM_001330093.2); c.1352T>A, p.Leu451His (NM_001330094.2); short protein forms L447H, L454H, L427H, L437H, L442H, L451H, L455H, L495H.
Identifiers: ClinVar variation 2094823 (VCV002094823.4), dbSNP rs2465831176, ClinGen allele CA346774365.

ClinVar aggregate classification (germline): Uncertain significance (1 of 4 stars; one submission).

Conditions:
Pitt-Hopkins-like syndrome 2 (PTHSL2). Identifiers: Orphanet 221150, Orphanet 600663, MedGen C3280479, MONDO:0013690, OMIM 614325.

Submission:

Labcorp Genetics (formerly Invitae), Labcorp
Classification: Uncertain significance for Pitt-Hopkins-like syndrome 2. Last evaluated: 2022-02-08. Review status: criteria provided, single submitter. Criteria: Invitae Variant Classification Sherloc (09022015). Collection method: clinical testing. Allele origin: germline.
Comment: In summary, the available evidence is currently insufficient to determine the role of this variant in disease. Therefore, it has been classified as a Variant of Uncertain Significance. Algorithms developed to predict the effect of missense changes on protein structure and function (SIFT, PolyPhen-2, Align-GVGD) all suggest that this variant is likely to be disruptive. This sequence change replaces leucine, which is neutral and non-polar, with histidine, which is basic and polar, at codon 495 of the NRXN1 protein (p.Leu495His). This variant is not present in population databases (gnomAD no frequency). This variant has not been reported in the literature in individuals affected with NRXN1-related conditions.